The following is an entry in ClinVar:

ClinVar aggregate classification (germline): Likely pathogenic (1 of 4 stars; one submission).

Conditions:
Periventricular nodular heterotopia 9. Identifiers: MedGen C5394503, MONDO:0030061, OMIM 618918.

Submission:

Institute of Immunology and Genetics Kaiserslautern
Classification: Likely pathogenic for Periventricular nodular heterotopia 9. Last evaluated: 2024-04-15. Review status: criteria provided, single submitter. Criteria: ACMG Guidelines, 2015. Collection method: clinical testing. Allele origin: germline. Affected: yes.
Comment: ACMG Criteria: PM2, PVS1; Variant was found in heterozygous state

NM_005909.5(MAP1B):c.3538_3539del (p.Val1180fs)

Gene: MAP1B (microtubule associated protein 1B; plus strand). Cytogenetic location: 5q13.2.
Variant type: Deletion.
Coding change: c.3538_3539del on transcript NM_005909.5 (MANE Select); coding-DNA positions 3538 to 3539, 2 bases deleted (GT; older notation c.3538_3539delGT).
Protein change: p.Val1180fs; shifts the reading frame from valine 1180.
Molecular consequence: frameshift variant.
Genome position (GRCh38, 1-based): chr5:72,196,893-72,196,894, GT deleted; deleting any 2 consecutive bases within chr5:72,196,892-72,196,894 gives the same sequence; the c. name uses the placement nearest the transcript's 3' end. VCF-style (leftmost placement, unchanged base first): chr5-72196891-ATG-A. GRCh37 (hg19) VCF-style: chr5-71492718-ATG-A.
Other names: c.3160_3161del, p.Val1054fs (NM_001324255.2); short protein forms V1054fs, V1180fs.
Identifiers: ClinVar variation 3235069 (VCV003235069.1), dbSNP rs2478576114, ClinGen allele CA2825001420.
Genomic context (GRCh38, chr5:72,196,891, plus strand): 5'-TCGTAAATATCACCAAATATGAATCTTCATTGTATTCTCAGGAATACTCTAAACCTGCTG[ATG>A]TTACACCGCTCAACGGATTTTCTGAAGGATCAAAAACAGATGCCACTGATGGCAAGGATT-3'